The following is an entry in ClinVar:

NM_001349884.2(DRAM2):c.601-9A>G

Gene: DRAM2 (DNA damage regulated autophagy modulator 2; minus strand). Cytogenetic location: 1p13.3.
Variant type: single nucleotide variant.
Coding change: c.601-9A>G on transcript NM_001349884.2 (MANE Select); 9 bases into the intron before coding-DNA position 601, A replaced by G.
Molecular consequence: intron variant.
Genome position (GRCh38, 1-based): chr1:111,118,906, T>C on the plus strand (A>G on the coding strand, the complement: DRAM2 is on the minus strand). VCF-style: chr1-111118906-T-C. GRCh37 (hg19) VCF-style: chr1-111661528-T-C.
Other names: c.601-9A>G (NM_001349885.2, NM_178454.6, NM_001349882.2 and 1 more transcripts); c.211-9A>G (NM_001349889.2, NM_001349890.2, NM_001349891.2 and 2 more transcripts); c.331-9A>G (NM_001349887.2, NM_001349886.2, NM_001349888.2).
Identifiers: ClinVar variation 677168 (VCV000677168.14), dbSNP rs325917, ClinGen allele CA1001776.

ClinVar aggregate classification (germline): Benign. Review status: criteria provided, multiple submitters, no conflicts (2 of 4 stars). 4 submissions from 4 submitters: Benign (4). Last evaluated 2026-02-03.

Conditions:
Cone-rod dystrophy 21. Also called: Retinal dystrophy with early macular involvement. Identifiers: Orphanet 1872, MedGen C4049066, MONDO:0014669, OMIM 616502, HP:0030635.

Allele frequency attached by ClinVar (database versions not stated): gnomAD 0.24926 and 0.24497; TOPMed 0.26101; 1000 Genomes Project 0.32847; gnomAD exomes 0.22258 and 0.18132; ExAC 0.25993; 1000 Genomes Project 30x 0.32839; ESP Exome Variant Server 0.24258.

Submissions (4):

Labcorp Genetics (formerly Invitae), Labcorp
Classification: Benign. Last evaluated: 2026-02-03. Review status: criteria provided, single submitter. Criteria: Invitae Variant Classification Sherloc (09022015). Collection method: clinical testing. Allele origin: germline.

Genome-Nilou Lab
Classification: Benign for Cone-rod dystrophy 21. Last evaluated: 2021-07-30. Review status: criteria provided, single submitter. Criteria: ACMG Guidelines, 2015. Collection method: clinical testing. Allele origin: germline. Affected: no.

GeneDx
Classification: Benign. Last evaluated: 2018-04-26. Review status: criteria provided, single submitter. Criteria: GeneDx Variant Classification (06012015). Collection method: clinical testing. Allele origin: germline. Affected: yes.
Comment: This variant is considered likely benign or benign based on one or more of the following criteria: it is a conservative change, it occurs at a poorly conserved position in the protein, it is predicted to be benign by multiple in silico algorithms, and/or has population frequency not consistent with disease.

Breakthrough Genomics
Classification: Benign. Review status: criteria provided, single submitter. Criteria: ACMG Guidelines, 2015. Collection method: not provided. Allele origin: germline. Inheritance: Autosomal recessive inheritance. Affected: yes.